The following is an entry in ClinVar:

ClinVar aggregate classification (germline): Pathogenic. Review status: criteria provided, multiple submitters, no conflicts (2 of 4 stars). 8 submissions from 8 submitters: Pathogenic (7). 1 of the submissions does not count toward it. Last evaluated 2025-11-25.

Conditions:
Polycystic kidney disease, adult type (PKD1). Also called: Polycystic Kidney, Autosomal Dominant; POLYCYSTIC KIDNEY DISEASE, ADULT, TYPE I; Polycystic Kidney Disease 1, Autosomal Dominant; Polycystic kidney disease 1; Polycystic kidney disease 1, severe; POLYCYSTIC KIDNEY DISEASE 1 WITH OR WITHOUT POLYCYSTIC LIVER DISEASE. Identifiers: MedGen C3149841, MONDO:0008263, OMIM 173900.
PKD1-related disorder. Also called: PKD1-related condition.
Polycystic kidney disease. Also called: Kidney, Polycystic; Polycystic kidney dysplasia. Identifiers: MedGen C0022680, MeSH D007690, MONDO:0020642, HP:0000113.
Cystic renal disease.

Submissions (8):

Women's Health and Genetics/Laboratory Corporation of America, LabCorp
Classification: Pathogenic for Polycystic kidney disease, adult type. Last evaluated: 2025-11-25. Review status: criteria provided, single submitter. Criteria: LabCorp Variant Classification Summary - May 2015. Collection method: clinical testing. Allele origin: germline.
Comment: Variant summary: PKD1 c.6472C>T (p.Gln2158X) results in a premature termination codon, predicted to cause absence of the protein due to nonsense mediated decay, which is a commonly known mechanism for disease. The variant was absent in 178488 control chromosomes (gnomAD). c.6472C>T has been observed in individuals affected with Polycystic Kidney Disease 1 (e.g., Audrezet_2016). These data indicate that the variant is likely to be associated with disease. The following publication has been ascertained in the context of this evaluation (PMID: 26139440). ClinVar contains an entry for this variant (Variation ID: 997260). Based on the evidence outlined above, the variant was classified as pathogenic.

PreventionGenetics, part of Exact Sciences
Classification: Pathogenic for PKD1-related condition. Last evaluated: 2025-10-30. Review status: criteria provided, single submitter. Criteria: ACMG Guidelines, 2015. Collection method: clinical testing. Allele origin: germline.
Comment: The PKD1 c.6472C>T variant is predicted to result in premature protein termination (p.Gln2158*). This variant has been reported in individuals with autosomal dominant polycystic kidney disease (ADPKD) (see for example, Rossetti et al. 2002. PubMed ID: 11967008; Table S1, Kimura et al. 2023. PubMed ID: 37509056). This variant has not been reported in a large population database (gnomAD), indicating this variant is rare. Nonsense variants in PKD1 are expected to be pathogenic. This variant is interpreted as pathogenic.

Genetics Laboratory, Great Ormond Street Hospital NHS Foundation Trust, North Thames Genomic Laboratory Hub
Classification: Pathogenic for Cystic renal disease. Last evaluated: 2025-07-29. Review status: criteria provided, single submitter. Criteria: ACGS Best Practice Guidelines for Variant Classification in Rare Disease 2024 v1.2. Collection method: clinical testing. Allele origin: germline. Affected: yes.
Comment: PS4_moderate, PM2_moderate, PVS1_very-strong

CeGaT Center for Human Genetics Tuebingen
Classification: Pathogenic. Last evaluated: 2025-02-01. Review status: criteria provided, single submitter. Criteria: CeGaT Center For Human Genetics Tuebingen Variant Classification Criteria Version 2. Collection method: clinical testing. Allele origin: germline. Affected: yes. Observed: 1 variant allele.
Comment: PKD1: PVS1, PM2, PS4:Moderate

Fulgent Genetics
Classification: Pathogenic for Polycystic kidney disease, adult type. Last evaluated: 2024-01-31. Review status: criteria provided, single submitter. Criteria: ACMG Guidelines, 2015. Collection method: clinical testing. Allele origin: germline.

GeneDx
Classification: Pathogenic. Last evaluated: 2022-04-28. Review status: criteria provided, single submitter. Criteria: GeneDx Variant Classification Process June 2021. Collection method: clinical testing. Allele origin: germline. Affected: yes.
Comment: Identified in unrelated patients with polycystic kidney disease in published literature (Rossetti et al., 2009; Jin et al., 2016; Xu et al., 2018); Nonsense variant predicted to result in protein truncation or nonsense mediated decay in a gene for which loss-of-function is a known mechanism of disease; Not observed in large population cohorts (gnomAD); This variant is associated with the following publications: (PMID: 27782177, 30820006, 11967008, 25525159, 19165178, 29529603, 25263802)

Blueprint Genetics
Classification: Pathogenic for PKD1-related disorders. Last evaluated: 2019-04-10. Review status: criteria provided, single submitter. Criteria: ACMG Guidelines, 2015. Collection method: clinical testing. Allele origin: germline. Affected: yes. Observed: 1 variant allele.

Department of Pathology and Laboratory Medicine, Sinai Health System
Classification: Pathogenic for Polycystic Kidney disease. Review status: no assertion criteria provided. Collection method: clinical testing. Allele origin: unknown. Affected: yes. Study: The Canadian Open Genetics Repository (COGR). Not counted in ClinVar's aggregate classification.
Comment: The PKD1 p.Gln2158* variant was identified in 6 of 408 proband chromosomes (frequency: 0.02) from individuals or families with ADPKD (Audrezet 2015, Rossetti 2002, Xu 2018). The variant was also identified in LOVD 3.0 (1x ), and in ADPKD Mutation Database (as Definitely Pathogenic). The variant was not identified in dbSNP, ClinVar, or PKD1-LOVD. The variant was not identified in the following control databases: the Exome Aggregation Consortium (August 8th 2016), or the Genome Aggregation Database (Feb 27, 2017). The c.6472C>T variant leads to a premature stop codon at position 2158 which is predicted to lead to a truncated or absent protein and loss of function. Loss of function variants of the PKD1 gene are an established mechanism of disease in ADPKD and is the type of variant expected to cause the disorder. In summary, based on the above information this variant meets our laboratoryâ€šÃ„Ã´s criteria to be classified as pathogenic.

Literature cited by the submitters: PubMed 26139440 (cited by Women's Health and Genetics/Laboratory Corporation of America, LabCorp).

NM_001009944.3(PKD1):c.6472C>T (p.Gln2158Ter)

Gene: PKD1 (polycystin 1, transient receptor potential channel interacting; minus strand). Cytogenetic location: 16p13.3.
Variant type: single nucleotide variant.
Coding change: c.6472C>T on transcript NM_001009944.3 (MANE Select); coding-DNA position 6472, C replaced by T.
Protein change: p.Gln2158Ter; replaces glutamine 2158 with a stop codon.
Molecular consequence: nonsense.
Genome position (GRCh38, 1-based): chr16:2,108,695, G>A on the plus strand (C>T on the coding strand, the complement: PKD1 is on the minus strand). VCF-style: chr16-2108695-G-A. GRCh37 (hg19) VCF-style: chr16-2158696-G-A.
Other names: c.6472C>T (NM_001009944.2); c.6472C>T, p.Gln2158Ter (NM_000296.4); short protein forms Q2158*.
Identifiers: ClinVar variation 997260 (VCV000997260.23), dbSNP rs2092423837, ClinGen allele CA394373490.